The following is an entry in ClinVar:

NM_032043.3(BRIP1):c.2495G>T (p.Cys832Phe)

Gene: BRIP1 (BRCA1 interacting DNA helicase 1; minus strand). Cytogenetic location: 17q23.2.
Variant type: single nucleotide variant.
Coding change: c.2495G>T on transcript NM_032043.3 (MANE Select); coding-DNA position 2495, G replaced by T.
Protein change: p.Cys832Phe; replaces cysteine 832 with phenylalanine.
Molecular consequence: missense variant.
Genome position (GRCh38, 1-based): chr17:61,693,510, C>A on the plus strand (G>T on the coding strand, the complement: BRIP1 is on the minus strand). VCF-style: chr17-61693510-C-A. GRCh37 (hg19) VCF-style: chr17-59770871-C-A.
Other names: short protein forms C832F.
Identifiers: ClinVar variation 1978662 (VCV001978662.6), dbSNP rs4988355, ClinGen allele CA400482503.
Genomic context (GRCh38, chr17:61,693,510, plus strand): 5'-TTATTCCTAAAGCGATCATCCACTAGAATAAGAGCTCCCCAATCATTTCTGTGTCTAATA[C>A]ATCTAGAAAAAATAGGGAAAAAGTCAAATAATTATAACATCGGAAATAAATCCAGTTTTC-3'
Protein context (NP_114432.2, residues 822-842): YRALNQALGR[Cys832Phe]IRHRNDWGAL

ClinVar aggregate classification (germline): Uncertain significance. Review status: criteria provided, multiple submitters, no conflicts (2 of 4 stars). 2 submissions from 2 submitters: Uncertain significance (2). Last evaluated 2023-09-10.

Conditions:
Hereditary cancer-predisposing syndrome. Also called: Hereditary neoplastic syndrome; Neoplastic Syndromes, Hereditary; Tumor predisposition; Hereditary Cancer Syndrome. Identifiers: Orphanet 140162, MedGen C0027672, MeSH D009386, MONDO:0015356.
Fanconi anemia complementation group J. Also called: BRIP1-Related Fanconi Anemia. Identifiers: Orphanet 84, MedGen C1836860, MONDO:0012187, OMIM 609054.
Familial cancer of breast. Also called: hereditary breast carcinoma; BREAST CANCER, FAMILIAL; Hereditary breast cancer. Identifiers: Orphanet 227535, MedGen C0346153, MONDO:0016419, OMIM 114480. Disease mechanism: loss of function.

Submissions (2):

Ambry Genetics
Classification: Uncertain significance for Hereditary cancer-predisposing syndrome. Last evaluated: 2023-09-10. Review status: criteria provided, single submitter. Criteria: Ambry Variant Classification Scheme 2023. Collection method: clinical testing. Allele origin: germline.
Comment: The p.C832F variant (also known as c.2495G>T), located in coding exon 17 of the BRIP1 gene, results from a G to T substitution at nucleotide position 2495. The cysteine at codon 832 is replaced by phenylalanine, an amino acid with highly dissimilar properties. This amino acid position is conserved. In addition, this alteration is predicted to be deleterious by in silico analysis. Since supporting evidence is limited at this time, the clinical significance of this alteration remains unclear.

Labcorp Genetics (formerly Invitae), Labcorp
Classification: Uncertain significance for Familial cancer of breast; Fanconi anemia complementation group J. Last evaluated: 2021-11-05. Review status: criteria provided, single submitter. Criteria: Invitae Variant Classification Sherloc (09022015). Collection method: clinical testing. Allele origin: germline.
Comment: This variant is not present in population databases (gnomAD no frequency). This sequence change replaces cysteine, which is neutral and slightly polar, with phenylalanine, which is neutral and non-polar, at codon 832 of the BRIP1 protein (p.Cys832Phe). This variant has not been reported in the literature in individuals affected with BRIP1-related conditions. In summary, the available evidence is currently insufficient to determine the role of this variant in disease. Therefore, it has been classified as a Variant of Uncertain Significance. Algorithms developed to predict the effect of missense changes on protein structure and function are either unavailable or do not agree on the potential impact of this missense change (SIFT: "Deleterious"; PolyPhen-2: "Probably Damaging"; Align-GVGD: "Class C0").